The following is an entry in ClinVar:

NM_000059.4(BRCA2):c.578C>T (p.Ser193Phe)

Gene: BRCA2 (BRCA2 DNA repair associated; plus strand). Cytogenetic location: 13q13.1.
Variant type: single nucleotide variant.
Coding change: c.578C>T on transcript NM_000059.4 (MANE Select); coding-DNA position 578, C replaced by T.
Protein change: p.Ser193Phe; replaces serine 193 with phenylalanine.
Molecular consequence: missense variant.
Genome position (GRCh38, 1-based): chr13:32,326,560, C>T. VCF-style: chr13-32326560-C-T. GRCh37 (hg19) VCF-style: chr13-32900697-C-T.
Other names: short protein forms S193F.
Identifiers: ClinVar variation 219916 (VCV000219916.16), dbSNP rs864622305, ClinGen allele CA348254.

ClinVar aggregate classification (germline): Uncertain significance. Review status: criteria provided, multiple submitters, no conflicts (2 of 4 stars). 4 submissions from 4 submitters: Uncertain significance (4). Last evaluated 2025-11-04.

Conditions:
BRCA2-related disorder. Also called: BRCA2-related condition; BRCA2-related disorders. Identifiers: MedGen CN239275.
Hereditary cancer-predisposing syndrome. Also called: Neoplastic Syndromes, Hereditary; Tumor predisposition; Hereditary Cancer Syndrome; Hereditary neoplastic syndrome. Identifiers: Orphanet 140162, MedGen C0027672, MeSH D009386, MONDO:0015356.
Hereditary breast ovarian cancer syndrome. Also called: Hereditary breast and ovarian cancer; Hereditary breast and ovarian cancer syndrome (HBOC); Breast and ovarian cancer; BRCA1- and BRCA2-Associated Hereditary Breast and Ovarian Cancer; Hereditary breast and/or ovarian cancer syndrome; Hereditary breast and ovarian cancer syndrome. Identifiers: Orphanet 145, MedGen C0677776, MeSH D061325, MONDO:0003582. Disease mechanism: loss of function.

Allele frequency attached by ClinVar (database versions not stated): gnomAD exomes below 0.00001.
gnomAD v4.1: 1 of 1,614,034 alleles (0.000062%); highest among the groups gnomAD compares: Non-Finnish European, 0.000085%; no homozygotes.

Submissions (4):

PreventionGenetics, part of Exact Sciences
Classification: Uncertain significance for BRCA2-related condition. Last evaluated: 2025-11-04. Review status: criteria provided, single submitter. Criteria: ACMG Guidelines, 2015. Collection method: clinical testing. Allele origin: germline.
Comment: The BRCA2 c.578C>T variant is predicted to result in the amino acid substitution p.Ser193Phe. This variant has been reported in an individual at risk of hereditary breast cancer (Morgan et al. 2010. PubMed ID: 20127978). This variant is not reported in a large population database (gnomAD), indicating this variant is rare. At this time, the clinical significance of this variant is uncertain due to the absence of conclusive functional and genetic evidence.

Labcorp Genetics (formerly Invitae), Labcorp
Classification: Uncertain significance for Hereditary breast ovarian cancer syndrome. Last evaluated: 2025-09-10. Review status: criteria provided, single submitter. Criteria: Invitae Variant Classification Sherloc (09022015). Collection method: clinical testing. Allele origin: germline.
Comment: This sequence change replaces serine, which is neutral and polar, with phenylalanine, which is neutral and non-polar, at codon 193 of the BRCA2 protein (p.Ser193Phe). This variant is not present in population databases (gnomAD no frequency). This variant has not been reported in the literature in individuals affected with BRCA2-related conditions. ClinVar contains an entry for this variant (Variation ID: 219916). Invitae Evidence Modeling of protein sequence and biophysical properties (such as structural, functional, and spatial information, amino acid conservation, physicochemical variation, residue mobility, and thermodynamic stability) indicates that this missense variant is not expected to disrupt BRCA2 protein function with a negative predictive value of 95%. In summary, the available evidence is currently insufficient to determine the role of this variant in disease. Therefore, it has been classified as a Variant of Uncertain Significance.

Ambry Genetics
Classification: Uncertain significance for Hereditary cancer-predisposing syndrome. Last evaluated: 2024-02-26. Review status: criteria provided, single submitter. Criteria: Ambry Variant Classification Scheme 2023. Collection method: clinical testing. Allele origin: germline.
Comment: The p.S193F variant (also known as c.578C>T), located in coding exon 6 of the BRCA2 gene, results from a C to T substitution at nucleotide position 578. The serine at codon 193 is replaced by phenylalanine, an amino acid with highly dissimilar properties. This alteration was detected in 1/55 individuals at risk of hereditary breast cancer (Morgan JE et al. Hum Mutat, 2010 Apr;31:484-91). This amino acid position is highly conserved in available vertebrate species. In addition, the in silico prediction for this alteration is inconclusive. Since supporting evidence is limited at this time, the clinical significance of this alteration remains unclear.

Color Diagnostics, LLC DBA Color Health
Classification: Uncertain significance for Hereditary cancer-predisposing syndrome. Last evaluated: 2019-05-01. Review status: criteria provided, single submitter. Criteria: ACMG Guidelines, 2015. Collection method: clinical testing. Allele origin: germline.

Literature cited by the submitters: PubMed 20127978 (cited by Ambry Genetics).